The following is an entry in ClinVar:

NM_000540.3(RYR1):c.1402C>T (p.Arg468Ter)

Gene: RYR1 (ryanodine receptor 1; plus strand). Cytogenetic location: 19q13.2.
Variant type: single nucleotide variant.
Coding change: c.1402C>T on transcript NM_000540.3 (MANE Select); coding-DNA position 1402, C replaced by T.
Protein change: p.Arg468Ter; replaces arginine 468 with a stop codon.
Molecular consequence: nonsense.
Genome position (GRCh38, 1-based): chr19:38,452,976, C>T. VCF-style: chr19-38452976-C-T. GRCh37 (hg19) VCF-style: chr19-38943616-C-T.
Other names: c.1402C>T, p.Arg468Ter (NM_001042723.2); short protein forms R468*.
Identifiers: ClinVar variation 4758049 (VCV004758049.1).
Genomic context (GRCh38, chr19:38,452,976, plus strand): 5'-ATCATCTACTTCGAGCCTCCCTCCGAGGACTTGCAGCACGAGGAGAAGCAGAGCAAGCTG[C>T]GAAGCCTGCGCAACCGCCAGAGCCTCTTCCAGGAGGAGGTGAGGACGTGGCGAGGGCGGA-3'

ClinVar aggregate classification (germline): Uncertain significance (1 of 4 stars; one submission).

Conditions:
Malignant hyperthermia, susceptibility to, 1 (MHS1). Also called: RYR1-Related Malignant Hyperthermia Susceptibility; Malignant hyperthermia suceptibility 1; Anesthesia related hyperthermia; Malignant hyperpyrexia; Fulminating hyperpyrexia; Pharmacogenic myopathy. Identifiers: Orphanet 423, MedGen C2930980, MONDO:0007783, OMIM 145600.

gnomAD v4.1: 6 of 1,613,870 alleles (0.00037%); highest among the groups gnomAD compares: Non-Finnish European, 0.00051%; no homozygotes.

Submission:

Color Diagnostics, LLC DBA Color Health
Classification: Uncertain significance for Malignant hyperthermia, susceptibility to, 1. Last evaluated: 2025-09-05. Review status: criteria provided, single submitter. Criteria: ACMG Guidelines, 2015. Collection method: clinical testing. Allele origin: germline.
Comment: This variant changes 1 nucleotide in exon 13 of the RYR1 gene, creating a premature translation stop signal. This variant is expected to result in an absent or non-functional protein product. To our knowledge, this variant has not been reported in individuals affected with RYR1-related disorders in the literature. This variant has not been identified in the general population by the Genome Aggregation Database (gnomAD). Loss of RYR1 gene function due to haploinsufficiency is not an established disease mechanism for autosomal dominant malignant hyperthermia susceptibility. Therefore, this variant is classified as a Variant of Uncertain Significance.